The following is an entry in ClinVar:

NM_001184900.3(CARD8):c.302T>G (p.Leu101Trp)

Gene: CARD8 (caspase recruitment domain family member 8; minus strand). Cytogenetic location: 19q13.33.
Variant type: single nucleotide variant.
Coding change: c.302T>G on transcript NM_001184900.3 (MANE Select); coding-DNA position 302, T replaced by G.
Protein change: p.Leu101Trp; replaces leucine 101 with tryptophan.
Molecular consequence: missense variant. On other transcripts: 5 prime UTR variant (1), non-coding transcript variant (4).
Genome position (GRCh38, 1-based): chr19:48,234,451, A>C on the plus strand (T>G on the coding strand, the complement: CARD8 is on the minus strand). VCF-style: chr19-48234451-A-C. GRCh37 (hg19) VCF-style: chr19-48737708-A-C.
Other names: c.152T>G, p.Leu51Trp (NM_001184901.1, NM_001351783.2, NM_001351788.2 and 2 more transcripts); c.302T>G, p.Leu101Trp (NM_001184902.2, NM_001184903.1, NM_001351782.2); c.28T>G, p.Cys10Gly (NM_001351784.2, NM_001351787.2, NM_001351791.2 and 2 more transcripts); c.-187T>G (NM_001351786.2); c.100T>G, p.Cys34Gly (NM_001351790.2); c.302T>G (NM_001184900.1); short protein forms L101W, L51W, C10G, C34G.
Identifiers: ClinVar variation 1399285 (VCV001399285.9), dbSNP rs183473284, ClinGen allele CA9548102.

ClinVar aggregate classification (germline): Conflicting classifications of pathogenicity. Review status: criteria provided, conflicting classifications (1 of 4 stars). 2 submissions from 2 submitters: Uncertain significance (1); Likely benign (1). Last evaluated 2025-12-15.

Allele frequency attached by ClinVar (database versions not stated): ExAC 0.00009; 1000 Genomes Project 0.00080; 1000 Genomes Project 30x 0.00094.
gnomAD v4.1: 52 of 1,613,952 alleles (0.0032%); highest among the groups gnomAD compares: East Asian, 0.11%; no homozygotes.

Submissions (2):

Labcorp Genetics (formerly Invitae), Labcorp
Classification: Uncertain significance. Last evaluated: 2025-12-15. Review status: criteria provided, single submitter. Criteria: Invitae Variant Classification Sherloc (09022015). Collection method: clinical testing. Allele origin: germline.
Comment: This sequence change replaces leucine, which is neutral and non-polar, with tryptophan, which is neutral and slightly polar, at codon 51 of the CARD8 protein (p.Leu51Trp). This variant is present in population databases (rs183473284, gnomAD 0.1%), and has an allele count higher than expected for a pathogenic variant. This variant has not been reported in the literature in individuals affected with CARD8-related conditions. ClinVar contains an entry for this variant (Variation ID: 1399285). An algorithm developed to predict the effect of missense changes on protein structure and function outputs the following: PolyPhen-2: "Benign". The tryptophan amino acid residue is found in multiple mammalian species, which suggests that this missense change does not adversely affect protein function. In summary, the available evidence is currently insufficient to determine the role of this variant in disease. Therefore, it has been classified as a Variant of Uncertain Significance.

Ambry Genetics
Classification: Likely benign. Last evaluated: 2023-12-17. Review status: criteria provided, single submitter. Criteria: Ambry Variant Classification Scheme 2023. Collection method: clinical testing. Allele origin: germline.